The following is an entry in ClinVar:

NM_002485.5(NBN):c.1952C>G (p.Pro651Arg)

Gene: NBN (nibrin; minus strand). Cytogenetic location: 8q21.3.
Variant type: single nucleotide variant.
Coding change: c.1952C>G on transcript NM_002485.5 (MANE Select); coding-DNA position 1952, C replaced by G.
Protein change: p.Pro651Arg; replaces proline 651 with arginine.
Molecular consequence: missense variant.
Genome position (GRCh38, 1-based): chr8:89,946,258, G>C on the plus strand (C>G on the coding strand, the complement: NBN is on the minus strand). VCF-style: chr8-89946258-G-C. GRCh37 (hg19) VCF-style: chr8-90958486-G-C.
Other names: c.1706C>G, p.Pro569Arg (NM_001024688.3); short protein forms P569R, P651R.
Identifiers: ClinVar variation 1311504 (VCV001311504.4), dbSNP rs1554556572, ClinGen allele CA371676663.
Genomic context (GRCh38, chr8:89,946,258, plus strand): 5'-TTTCTGGAAGTAGAGTTTTTAATCACCAGTGATCTAAATTCAGTCAATAACAGCTTTTTT[G>C]GAAGCATCTCACTATCATCCTGAAGTTTGTCATTGTTCTTAAATGGGGTTAAGATGGATA-3'
Protein context (NP_002476.2, residues 641-661): DKLQDDSEML[Pro651Arg]KKLLLTEFRS

ClinVar aggregate classification (germline): Uncertain significance. Review status: criteria provided, multiple submitters, no conflicts (2 of 4 stars). 2 submissions from 2 submitters: Uncertain significance (2). Last evaluated 2019-12-18.

Conditions:
Hereditary cancer-predisposing syndrome. Also called: Tumor predisposition; Neoplastic Syndromes, Hereditary; Hereditary Cancer Syndrome; Hereditary neoplastic syndrome. Identifiers: Orphanet 140162, MedGen C0027672, MeSH D009386, MONDO:0015356.

Submissions (2):

GeneDx
Classification: Uncertain significance. Last evaluated: 2019-12-18. Review status: criteria provided, single submitter. Criteria: GeneDx Variant Classification Process June 2021. Collection method: clinical testing. Allele origin: germline. Affected: yes.
Comment: Not observed in large population cohorts (Lek 2016); In silico analysis, which includes protein predictors and evolutionary conservation, supports a deleterious effect; Has not been previously published as pathogenic or benign to our knowledge

Ambry Genetics
Classification: Uncertain significance for Hereditary cancer-predisposing syndrome. Last evaluated: 2015-10-12. Review status: criteria provided, single submitter. Criteria: Ambry Variant Classification Scheme 2023. Collection method: clinical testing. Allele origin: germline.
Comment: The p.P651R variant (also known as c.1952C>G), located in coding exon 13 of the NBN gene, results from a C to G substitution at nucleotide position 1952. The proline at codon 651 is replaced by arginine, an amino acid with dissimilar properties. This variant was not reported in population based cohorts in the following databases: Database of Single Nucleotide Polymorphisms (dbSNP), NHLBI Exome Sequencing Project (ESP), and 1000 Genomes Project. In the ESP, this variant was not observed in 6501 samples (13002 alleles) with coverage at this position. To date, this alteration has been detected with an allele frequency of approximately 0.002% (greater than 65000 alleles tested) in our clinical cohort. This amino acid position is well conserved in available vertebrate species. In addition, this alteration is predicted to be tolerated by in silico analysis. Since supporting evidence is limited at this time, the clinical significance of p.P651R remains unclear.